The following is an entry in ClinVar:

NM_176824.3(BBS7):c.1327G>A (p.Ala443Thr)

Gene: BBS7 (Bardet-Biedl syndrome 7; minus strand). Cytogenetic location: 4q27.
Variant type: single nucleotide variant.
Coding change: c.1327G>A on transcript NM_176824.3 (MANE Select); coding-DNA position 1327, G replaced by A.
Protein change: p.Ala443Thr; replaces alanine 443 with threonine.
Molecular consequence: missense variant.
Genome position (GRCh38, 1-based): chr4:121,839,675, C>T on the plus strand (G>A on the coding strand, the complement: BBS7 is on the minus strand). VCF-style: chr4-121839675-C-T. GRCh37 (hg19) VCF-style: chr4-122760830-C-T.
Other names: c.1327G>A (NM_176824.2); c.1327G>A, p.Ala443Thr (NM_018190.4); short protein forms A443T.
Identifiers: ClinVar variation 2065137 (VCV002065137.2), dbSNP rs762270446, ClinGen allele CA3064254.

ClinVar aggregate classification (germline): Uncertain significance. Review status: criteria provided, multiple submitters, no conflicts (2 of 4 stars). 2 submissions from 2 submitters: Uncertain significance (2). Last evaluated 2025-05-20.

Conditions:
Bardet-Biedl syndrome (BBS). Identifiers: Orphanet 110, MedGen C0752166, MONDO:0015229.
Inborn genetic diseases. Identifiers: MedGen C0950123, MeSH D030342.

Allele frequency attached by ClinVar (database versions not stated): ExAC 0.00002; gnomAD 0.00002.
gnomAD v4.1: 25 of 1,613,540 alleles (0.0015%); highest among the groups gnomAD compares: South Asian, 0.0099%; no homozygotes.

Submissions (2):

Ambry Genetics
Classification: Uncertain significance for Inborn genetic diseases. Last evaluated: 2025-05-20. Review status: criteria provided, single submitter. Criteria: Ambry Variant Classification Scheme 2023. Collection method: clinical testing. Allele origin: germline.

Labcorp Genetics (formerly Invitae), Labcorp
Classification: Uncertain significance for Bardet-Biedl syndrome. Last evaluated: 2022-04-28. Review status: criteria provided, single submitter. Criteria: Invitae Variant Classification Sherloc (09022015). Collection method: clinical testing. Allele origin: germline.
Comment: This sequence change replaces alanine, which is neutral and non-polar, with threonine, which is neutral and polar, at codon 443 of the BBS7 protein (p.Ala443Thr). This variant is present in population databases (rs762270446, gnomAD 0.01%). This variant has not been reported in the literature in individuals affected with BBS7-related conditions. Algorithms developed to predict the effect of missense changes on protein structure and function (SIFT, PolyPhen-2, Align-GVGD) all suggest that this variant is likely to be disruptive. In summary, the available evidence is currently insufficient to determine the role of this variant in disease. Therefore, it has been classified as a Variant of Uncertain Significance.